The following is an entry in ClinVar:

ClinVar aggregate classification (germline): Uncertain significance (1 of 4 stars; one submission).

Submission:

Labcorp Genetics (formerly Invitae), Labcorp
Classification: Uncertain significance. Last evaluated: 2023-03-10. Review status: criteria provided, single submitter. Criteria: Invitae Variant Classification Sherloc (09022015). Collection method: clinical testing. Allele origin: germline.
Comment: This sequence change replaces methionine, which is neutral and non-polar, with isoleucine, which is neutral and non-polar, at codon 1358 of the SETBP1 protein (p.Met1358Ile). This variant is not present in population databases (gnomAD no frequency). In summary, the available evidence is currently insufficient to determine the role of this variant in disease. Therefore, it has been classified as a Variant of Uncertain Significance. Advanced modeling of protein sequence and biophysical properties (such as structural, functional, and spatial information, amino acid conservation, physicochemical variation, residue mobility, and thermodynamic stability) performed at Invitae indicates that this missense variant is not expected to disrupt SETBP1 protein function. This variant has not been reported in the literature in individuals affected with SETBP1-related conditions.

NM_015559.3(SETBP1):c.4074G>A (p.Met1358Ile)

Gene: SETBP1 (SET binding protein 1; plus strand). Cytogenetic location: 18q12.3.
Variant type: single nucleotide variant.
Coding change: c.4074G>A on transcript NM_015559.3 (MANE Select); coding-DNA position 4074, G replaced by A.
Protein change: p.Met1358Ile; replaces methionine 1358 with isoleucine.
Molecular consequence: missense variant. On other transcripts: intron variant (1).
Genome position (GRCh38, 1-based): chr18:45,038,558, G>A. VCF-style: chr18-45038558-G-A. GRCh37 (hg19) VCF-style: chr18-42618523-G-A.
Other names: c.4074G>A, p.Met1358Ile (NM_001379141.1, NM_001379142.1); c.4001-24521G>A (NM_001410862.1); short protein forms M1358I.
Identifiers: ClinVar variation 2807865 (VCV002807865.3), dbSNP rs2511319953, ClinGen allele CA402482460.
Genomic context (GRCh38, chr18:45,038,558, plus strand): 5'-CCACTTAAAAGTGGACCAGACAGCAGTGCATAGTAAGAACGAAGGCTCAGTGCCCACCAT[G>A]ATGACCAGGAAGAAGCCAGCCGCAGTTGACAGTGTTACAATTCCACCAGCCCCAGTGTTA-3'
Protein context (NP_056374.2, residues 1348-1368): HSKNEGSVPT[Met1358Ile]MTRKKPAAVD